The following is an entry in ClinVar:

NM_015340.4(LARS2):c.516+138A>G

Gene: LARS2 (leucyl-tRNA synthetase 2, mitochondrial; plus strand). Cytogenetic location: 3p21.31.
Variant type: single nucleotide variant.
Coding change: c.516+138A>G on transcript NM_015340.4 (MANE Select); 138 bases into the intron after coding-DNA position 516, A replaced by G.
Molecular consequence: intron variant.
Genome position (GRCh38, 1-based): chr3:45,419,867, A>G. VCF-style: chr3-45419867-A-G. GRCh37 (hg19) VCF-style: chr3-45461359-A-G.
Other names: c.516+138A>G (NM_001368263.1).
Identifiers: ClinVar variation 676311 (VCV000676311.2), dbSNP rs854203, ClinGen allele CA73695577.
Genomic context (GRCh38, chr3:45,419,867, plus strand): 5'-GAGTTGGGAGAAGGCAAGGGTGGGAGGCAGGAAGCAGGAGGGAAGGATTAGCACTCTTCA[A>G]AAAGTATCCTGAGTGGATAATTTGCTTGGAAACAAGTAATTTTCTGTGGGATTAAACTGA-3'

ClinVar aggregate classification (germline): Benign. Review status: criteria provided, multiple submitters, no conflicts (2 of 4 stars). 2 submissions from 2 submitters: Benign (2). Last evaluated 2018-06-16.

Allele frequency attached by ClinVar (database versions not stated): gnomAD exomes 0.01480; gnomAD 0.12262 and 0.13128; 1000 Genomes Project 0.13778; TOPMed 0.14123; 1000 Genomes Project 30x 0.14631.
gnomAD v4.1: 27,047 of 689,798 alleles (3.9%); highest among the groups gnomAD compares: African/African-American, 42%; 5,046 homozygotes.

Submissions (2):

GeneDx
Classification: Benign. Last evaluated: 2018-06-16. Review status: criteria provided, single submitter. Criteria: GeneDx Variant Classification (06012015). Collection method: clinical testing. Allele origin: germline. Affected: yes.
Comment: This variant is considered likely benign or benign based on one or more of the following criteria: it is a conservative change, it occurs at a poorly conserved position in the protein, it is predicted to be benign by multiple in silico algorithms, and/or has population frequency not consistent with disease.

Breakthrough Genomics
Classification: Benign. Review status: criteria provided, single submitter. Criteria: ACMG Guidelines, 2015. Collection method: not provided. Allele origin: germline. Inheritance: Autosomal recessive inheritance. Affected: yes.